The following is an entry in ClinVar:

ClinVar aggregate classification (germline): Uncertain significance (1 of 4 stars; one submission).

Conditions:
Autosomal dominant nonsyndromic hearing loss 1. Also called: KONIGSMARK SYNDROME; DEAFNESS, AUTOSOMAL DOMINANT 1, WITH OR WITHOUT THROMBOCYTOPENIA. Identifiers: Orphanet 90635, MedGen C1852282, MONDO:0007424, OMIM 124900.
Progressive microcephaly-seizures-cortical blindness-developmental delay syndrome. Also called: Seizures, cortical blindness, and microcephaly syndrome. Identifiers: Orphanet 477814, MedGen C5567650, MONDO:0014714, OMIM 616632.

gnomAD v4.1: 3 of 1,611,852 alleles (0.00019%); highest among the groups gnomAD compares: Non-Finnish European, 0.00017%; no homozygotes.

Submission:

Labcorp Genetics (formerly Invitae), Labcorp
Classification: Uncertain significance for Progressive microcephaly-seizures-cortical blindness-developmental delay syndrome; Autosomal dominant nonsyndromic hearing loss 1. Last evaluated: 2024-12-03. Review status: criteria provided, single submitter. Criteria: Invitae Variant Classification Sherloc (09022015). Collection method: clinical testing. Allele origin: germline.
Comment: This sequence change affects codon 394 of the DIAPH1 mRNA. It is a 'silent' change, meaning that it does not change the encoded amino acid sequence of the DIAPH1 protein. This variant is not present in population databases (gnomAD no frequency). This variant has not been reported in the literature in individuals affected with DIAPH1-related conditions. Algorithms developed to predict the effect of sequence changes on RNA splicing suggest that this variant may create or strengthen a splice site. In summary, the available evidence is currently insufficient to determine the role of this variant in disease. Therefore, it has been classified as a Variant of Uncertain Significance.

NM_005219.5(DIAPH1):c.1182T>C (p.Phe394=)

Gene: DIAPH1 (diaphanous related formin 1; minus strand). Cytogenetic location: 5q31.3.
Variant type: single nucleotide variant.
Coding change: c.1182T>C on transcript NM_005219.5 (MANE Select); coding-DNA position 1182, T replaced by C.
Protein change: p.Phe394=; no amino-acid change (phenylalanine 394 retained).
Molecular consequence: synonymous variant.
Genome position (GRCh38, 1-based): chr5:141,577,573, A>G on the plus strand (T>C on the coding strand, the complement: DIAPH1 is on the minus strand). VCF-style: chr5-141577573-A-G. GRCh37 (hg19) VCF-style: chr5-140957140-A-G.
Other names: c.1155T>C, p.Phe385= (NM_001079812.3); c.1182T>C, p.Phe394= (NM_001314007.2).
Identifiers: ClinVar variation 3757409 (VCV003757409.2).